The following is an entry in ClinVar:

ClinVar aggregate classification (germline): Uncertain significance. Review status: criteria provided, multiple submitters, no conflicts (2 of 4 stars). 4 submissions from 4 submitters: Uncertain significance (4). Last evaluated 2026-02-24.

Conditions:
MYO3A-related disorder. Also called: MYO3A-related condition.

Allele frequency attached by ClinVar (database versions not stated): gnomAD 0.00001.
gnomAD v4.1: 47 of 1,613,622 alleles (0.0029%); highest among the groups gnomAD compares: Non-Finnish European, 0.0035%; no homozygotes.

Submissions (4):

PreventionGenetics, part of Exact Sciences
Classification: Uncertain significance for MYO3A-related condition. Last evaluated: 2026-02-24. Review status: criteria provided, single submitter. Criteria: ACMG Guidelines, 2015. Collection method: clinical testing. Allele origin: germline.
Comment: The MYO3A c.2548A>C variant is predicted to result in the amino acid substitution p.Thr850Pro. To our knowledge, this variant has not been reported in the literature. This variant is reported in 0.0062% of alleles in individuals of African descent in gnomAD. At this time, the clinical significance of this variant is uncertain due to the absence of conclusive functional and genetic evidence.

GeneDx
Classification: Uncertain significance. Last evaluated: 2023-01-10. Review status: criteria provided, single submitter. Criteria: GeneDx Variant Classification Process June 2021. Collection method: clinical testing. Allele origin: germline. Affected: yes.
Comment: In silico analysis supports that this missense variant has a deleterious effect on protein structure/function; Has not been previously published as pathogenic or benign to our knowledge

Labcorp Genetics (formerly Invitae), Labcorp
Classification: Uncertain significance. Last evaluated: 2022-04-08. Review status: criteria provided, single submitter. Criteria: Invitae Variant Classification Sherloc (09022015). Collection method: clinical testing. Allele origin: germline.
Comment: In summary, the available evidence is currently insufficient to determine the role of this variant in disease. Therefore, it has been classified as a Variant of Uncertain Significance. Algorithms developed to predict the effect of missense changes on protein structure and function are either unavailable or do not agree on the potential impact of this missense change (SIFT: "Deleterious"; PolyPhen-2: "Benign"; Align-GVGD: "Class C0"). This variant is present in population databases (rs200248007, gnomAD 0.007%). This variant has not been reported in the literature in individuals affected with MYO3A-related conditions. This sequence change replaces threonine, which is neutral and polar, with proline, which is neutral and non-polar, at codon 850 of the MYO3A protein (p.Thr850Pro).

Blueprint Genetics
Classification: Uncertain significance. Last evaluated: 2019-05-17. Review status: criteria provided, single submitter. Criteria: ACMG Guidelines, 2015. Collection method: clinical testing. Allele origin: germline.

NM_017433.5(MYO3A):c.2548A>C (p.Thr850Pro)

Gene: MYO3A (myosin IIIA; plus strand). Cytogenetic location: 10p12.1.
Variant type: single nucleotide variant.
Coding change: c.2548A>C on transcript NM_017433.5 (MANE Select); coding-DNA position 2548, A replaced by C.
Protein change: p.Thr850Pro; replaces threonine 850 with proline.
Molecular consequence: missense variant.
Genome position (GRCh38, 1-based): chr10:26,147,472, A>C. VCF-style: chr10-26147472-A-C. GRCh37 (hg19) VCF-style: chr10-26436401-A-C.
Other names: c.2548A>C (NM_017433.4); short protein forms T850P.
Identifiers: ClinVar variation 1488462 (VCV001488462.9), dbSNP rs200248007, ClinGen allele CA5444991.